The following is an entry in ClinVar:

NM_001367871.1(FBRSL1):c.1711C>T (p.Leu571=)

Gene: FBRSL1 (fibrosin like 1; plus strand). Cytogenetic location: 12q24.33.
Variant type: single nucleotide variant.
Coding change: c.1711C>T on transcript NM_001367871.1 (MANE Select); coding-DNA position 1711, C replaced by T.
Protein change: p.Leu571=; no amino-acid change (leucine 571 retained).
Molecular consequence: synonymous variant. On other transcripts: intron variant (1).
Genome position (GRCh38, 1-based): chr12:132,576,808, C>T. VCF-style: chr12-132576808-C-T. GRCh37 (hg19) VCF-style: chr12-133153394-C-T.
Other names: c.1840C>T, p.Leu614= (NM_001142641.2); c.1765C>T, p.Leu589= (NM_001382739.1); c.1214-4631C>T (NM_001382740.1).
Identifiers: ClinVar variation 4822203 (VCV004822203.4).
Genomic context (GRCh38, chr12:132,576,808, plus strand): 5'-GTTCAGGGCCAGTCCCCGGGCAGGCGGCCCTCACCCGTTCTATCCTCCCAGGAGATGCAG[C>T]TGGACCCCCACAAGCTGGAGGTGGGTGCAAAGCTGGACCTGTTCGGCAGACCCCCTGCCC-3'
Protein context (NP_001354800.1, residues 561-581): RHQQKIKEMQ[Leu571=]DPHKLEVGAK

ClinVar aggregate classification (germline): Likely benign (1 of 4 stars; one submission).

gnomAD v4.1: 22 of 1,550,720 alleles (0.0014%); highest among the groups gnomAD compares: Non-Finnish European, 0.0019%; no homozygotes.

Submission:

CeGaT Center for Human Genetics Tuebingen
Classification: Likely benign. Last evaluated: 2026-01-01. Review status: criteria provided, single submitter. Criteria: CeGaT Center For Human Genetics Tuebingen Variant Classification Criteria Version 2. Collection method: clinical testing. Allele origin: germline. Affected: yes. Observed: 2 variant alleles.
Comment: FBRSL1: BP4, BP7